The following is an entry in ClinVar:

ClinVar aggregate classification (germline): Uncertain significance (1 of 4 stars; one submission).

Allele frequency attached by ClinVar (database versions not stated): TOPMed below 0.00001.

Submission:

GeneDx
Classification: Uncertain significance. Last evaluated: 2025-04-25. Review status: criteria provided, single submitter. Criteria: GeneDx Variant Classification Process June 2021. Collection method: clinical testing. Allele origin: germline. Affected: yes.
Comment: Not observed at significant frequency in large population cohorts (gnomAD); Missense variant in a gene in which most reported pathogenic variants are truncating/loss of function; Has not been previously published as pathogenic or benign to our knowledge

NM_001267550.2(TTN):c.21976G>T (p.Val7326Phe)

Gene: TTN (titin; minus strand). Cytogenetic location: 2q31.2.
Variant type: single nucleotide variant.
Coding change: c.21976G>T on transcript NM_001267550.2 (MANE Select); coding-DNA position 21976, G replaced by T.
Protein change: p.Val7326Phe; replaces valine 7326 with phenylalanine.
Molecular consequence: missense variant. On other transcripts: intron variant (3).
Genome position (GRCh38, 1-based): chr2:178,722,923, C>A on the plus strand (G>T on the coding strand, the complement: TTN is on the minus strand). VCF-style: chr2-178722923-C-A. GRCh37 (hg19) VCF-style: chr2-179587650-C-A.
Other names: p.V7009F:GTT>TTT; c.21025G>T, p.Val7009Phe (NM_001256850.1); c.18244G>T, p.Val6082Phe (NM_133378.4); c.13282+15159G>T (NM_003319.4); c.13858+15159G>T (NM_133437.4); c.13657+15159G>T (NM_133432.3); c.21976G>T (NM_001267550.1); short protein forms V7009F, V7326F, V6082F.
Identifiers: ClinVar variation 203307 (VCV000203307.3), dbSNP rs794729625, ClinGen allele CA311989.